The following is an entry in ClinVar:

ClinVar aggregate classification (germline): Pathogenic (1 of 4 stars; one submission).

Conditions:
Polycystic kidney disease 2 (PKD2). Also called: Polycystic Kidney Disease 2, Autosomal Dominant; POLYCYSTIC KIDNEY DISEASE, ADULT, TYPE II; POLYCYSTIC KIDNEY DISEASE 2 WITH OR WITHOUT POLYCYSTIC LIVER DISEASE. Identifiers: MedGen C2751306, MONDO:0013131, OMIM 613095.

Submission:

Victorian Clinical Genetics Services, Murdoch Childrens Research Institute
Classification: Pathogenic for Polycystic kidney disease 2. Last evaluated: 2024-09-20. Review status: criteria provided, single submitter. Criteria: ACMG Guidelines, 2015. Collection method: clinical testing. Allele origin: germline. Inheritance: Autosomal dominant inheritance. Affected: yes.
Comment: Based on the classification scheme VCGS_Germline_v1.3.4, this variant is classified as Pathogenic. Following criteria are met: 0102 - Loss of function is a known mechanism of disease in this gene and is associated with polycystic kidney disease 2 (MIM#613095). (I) 0107 - This gene is associated with autosomal dominant disease. (I) 0201 - Variant is predicted to cause nonsense-mediated decay (NMD) and loss of protein (premature termination codon is located at least 54 nucleotides upstream of the final exon-exon junction). (SP) 0251 - This variant is heterozygous. (I) 0301 - Variant is absent from gnomAD (both v2 and v3). (SP) 0701 - Many other NMD-predicted variants comparable to the one identified in this case have very strong previous evidence for pathogenicity (DECIPHER). (SP) 0801 - This variant has been classified as pathogenic in pkdb and ClinVar, and has been observed in several unrelated individuals with polycystic kidney disease in the literature (PMID: 18077784, 28600779, 28522688, 26453610). (SP) 1007 - No published functional evidence has been identified for this variant. (I) 1208 - Inheritance information for this variant is not currently available in this individual. (I) Legend: (SP) - Supporting pathogenic, (I) - Information, (SB) - Supporting benign

Literature cited by the submitters: PubMed 18077784; PubMed 26453610; PubMed 28522688; PubMed 28600779.

NM_000297.4(PKD2):c.566G>A (p.Trp189Ter)

Genes: PKD2 (polycystin 2, transient receptor potential cation channel; plus strand), LOC129992813 (ATAC-STARR-seq lymphoblastoid silent region 15559; plus strand). Cytogenetic location: 4q22.1.
Variant type: single nucleotide variant.
Coding change: c.566G>A on transcript NM_000297.4 (MANE Select); coding-DNA position 566, G replaced by A.
Protein change: p.Trp189Ter; replaces tryptophan 189 with a stop codon.
Molecular consequence: nonsense. On other transcripts: non-coding transcript variant (1).
Genome position (GRCh38, 1-based): chr4:88,008,299, G>A. VCF-style: chr4-88008299-G-A. GRCh37 (hg19) VCF-style: chr4-88929451-G-A.
Other names: short protein forms W189*.
Identifiers: ClinVar variation 3255007 (VCV003255007.2), dbSNP rs1403371346.